The following is an entry in ClinVar:

NM_004415.4(DSP):c.3517del (p.Arg1173fs)

Gene: DSP (desmoplakin; plus strand). Cytogenetic location: 6p24.3.
Variant type: Deletion.
Coding change: c.3517del on transcript NM_004415.4 (MANE Select); coding-DNA position 3517, one base deleted (A; older notation c.3517delA).
Protein change: p.Arg1173fs; shifts the reading frame from arginine 1173.
Molecular consequence: frameshift variant.
Genome position (GRCh38, 1-based): chr6:7,579,707, A deleted; the last of 3 consecutive A bases (chr6:7,579,705-7,579,707); deleting any one gives the same sequence. VCF-style (leftmost placement, unchanged base first): chr6-7579704-GA-G. GRCh37 (hg19) VCF-style: chr6-7579937-GA-G.
Other names: c.3517del, p.Arg1173fs (NM_001008844.3, NM_001319034.2); short protein forms R1173fs.
Identifiers: ClinVar variation 2567523 (VCV002567523.5), dbSNP rs2533924089, ClinGen allele CA2580614831.
Genomic context (GRCh38, chr6:7,579,704, plus strand): 5'-AACCTTGGTTGGCAGAAATTAGAGTCTGAGAAAGCCATCAAGGAGAAGGAGTACGAGATT[GA>G]AAGGTTGAGGGTTCTACTGCAGGAAGAAGGCACCCGGAAGAGAGAATATGAAAATGAGCT-3'

ClinVar aggregate classification (germline): Pathogenic. Review status: criteria provided, multiple submitters, no conflicts (2 of 4 stars). 2 submissions from 2 submitters: Pathogenic (2). Last evaluated 2024-02-03.

Conditions:
Cardiovascular phenotype. Identifiers: MedGen CN230736.
Arrhythmogenic cardiomyopathy with wooly hair and keratoderma. Also called: Dilated cardiomyopathy with woolly hair and keratoderma; PALMOPLANTAR KERATODERMA WITH LEFT VENTRICULAR CARDIOMYOPATHY AND WOOLLY HAIR; Arrhythmogenic cardiomyopathy with woolly hair and keratoderma; Carvajal syndrome. Identifiers: Orphanet 65282, MedGen C1854063, MONDO:0011581, OMIM 605676.
Arrhythmogenic right ventricular dysplasia 8 (ARVD8). Also called: Arrhythmogenic Right Ventricular Dysplasia/Cardiomyopathy 8; ARRHYTHMOGENIC RIGHT VENTRICULAR DYSPLASIA, FAMILIAL, 8; ARRHYTHMOGENIC RIGHT VENTRICULAR CARDIOMYOPATHY 8. Identifiers: MedGen C1843896, MONDO:0011831, OMIM 607450.

Submissions (2):

Labcorp Genetics (formerly Invitae), Labcorp
Classification: Pathogenic for Arrhythmogenic cardiomyopathy with wooly hair and keratoderma; Arrhythmogenic right ventricular dysplasia 8. Last evaluated: 2024-02-03. Review status: criteria provided, single submitter. Criteria: Invitae Variant Classification Sherloc (09022015). Collection method: clinical testing. Allele origin: germline.
Comment: This sequence change creates a premature translational stop signal (p.Arg1173Glyfs*2) in the DSP gene. It is expected to result in an absent or disrupted protein product. Loss-of-function variants in DSP are known to be pathogenic (PMID: 20716751, 24503780, 25227139). This variant is not present in population databases (gnomAD no frequency). This variant has not been reported in the literature in individuals affected with DSP-related conditions. ClinVar contains an entry for this variant (Variation ID: 2567523). For these reasons, this variant has been classified as Pathogenic.

Ambry Genetics
Classification: Pathogenic for Cardiovascular phenotype. Last evaluated: 2023-04-24. Review status: criteria provided, single submitter. Criteria: Ambry Variant Classification Scheme 2023. Collection method: clinical testing. Allele origin: germline.
Comment: The c.3517delA pathogenic mutation, located in coding exon 23 of the DSP gene, results from a deletion of one nucleotide at nucleotide position 3517, causing a translational frameshift with a predicted alternate stop codon (p.R1173Gfs*2). This variant is considered to be rare based on population cohorts in the Genome Aggregation Database (gnomAD). Alterations in DSP that result in haploinsufficiency or protein truncation have been reported in patients with arrhythmogenic right ventricular cardiomyopathy (ARVC) and dilated cardiomyopathy (DCM) (Fressart V et al. Europace. 2010;12(6):861-8; Elliott P et al. Circ Cardiovasc Genet. 2010;3(4):314-22; Quarta G et al. Circulation. 2011;123(23):2701-9; Garcia-Pavia P et al. Heart. 2011;97(21):1744-52; Rasmussen TB et al. Clin Genet. 2013;84(1):20-30; Pugh TJ et al. Genet Med. 2014;16(8):601-8). This alteration is expected to result in loss of function by premature protein truncation or nonsense-mediated mRNA decay. As such, this alteration is interpreted as a disease-causing mutation.

Literature cited by the submitters: PubMed 20716751 (cited by Labcorp Genetics (formerly Invitae), Labcorp); PubMed 24503780 (cited by Labcorp Genetics (formerly Invitae), Labcorp); PubMed 25227139 (cited by Labcorp Genetics (formerly Invitae), Labcorp).